The following is an entry in ClinVar:

ClinVar aggregate classification (germline): Uncertain significance (1 of 4 stars; one submission).

Allele frequency attached by ClinVar (database versions not stated): gnomAD exomes 0.00003; TOPMed 0.00003.
gnomAD v4.1: 19 of 1,613,938 alleles (0.0012%); highest among the groups gnomAD compares: Admixed American, 0.028%; no homozygotes.

Submission:

Labcorp Genetics (formerly Invitae), Labcorp
Classification: Uncertain significance. Last evaluated: 2024-02-23. Review status: criteria provided, single submitter. Criteria: Invitae Variant Classification Sherloc (09022015). Collection method: clinical testing. Allele origin: germline.
Comment: This sequence change replaces glycine, which is neutral and non-polar, with serine, which is neutral and polar, at codon 103 of the CASQ1 protein (p.Gly103Ser). This variant is present in population databases (rs567336006, gnomAD 0.04%), and has an allele count higher than expected for a pathogenic variant. This variant has not been reported in the literature in individuals affected with CASQ1-related conditions. ClinVar contains an entry for this variant (Variation ID: 2171443). Advanced modeling of protein sequence and biophysical properties (such as structural, functional, and spatial information, amino acid conservation, physicochemical variation, residue mobility, and thermodynamic stability) performed at Invitae indicates that this missense variant is not expected to disrupt CASQ1 protein function with a negative predictive value of 80%. In summary, the available evidence is currently insufficient to determine the role of this variant in disease. Therefore, it has been classified as a Variant of Uncertain Significance.

NM_001231.5(CASQ1):c.307G>A (p.Gly103Ser)

Gene: CASQ1 (calsequestrin 1; plus strand). Cytogenetic location: 1q23.2.
Variant type: single nucleotide variant.
Coding change: c.307G>A on transcript NM_001231.5 (MANE Select); coding-DNA position 307, G replaced by A.
Protein change: p.Gly103Ser; replaces glycine 103 with serine.
Molecular consequence: missense variant.
Genome position (GRCh38, 1-based): chr1:160,192,829, G>A. VCF-style: chr1-160192829-G-A. GRCh37 (hg19) VCF-style: chr1-160162619-G-A.
Other names: short protein forms G103S.
Identifiers: ClinVar variation 2171443 (VCV002171443.4), dbSNP rs567336006, ClinGen allele CA1196135.